The following is an entry in ClinVar:

NM_000642.3(AGL):c.2605C>T (p.Gln869Ter)

Gene: AGL (amylo-alpha-1,6-glucosidase and 4-alpha-glucanotransferase; plus strand). Cytogenetic location: 1p21.2.
Variant type: single nucleotide variant.
Coding change: c.2605C>T on transcript NM_000642.3 (MANE Select); coding-DNA position 2605, C replaced by T.
Protein change: p.Gln869Ter; replaces glutamine 869 with a stop codon.
Molecular consequence: nonsense.
Genome position (GRCh38, 1-based): chr1:99,884,627, C>T. VCF-style: chr1-99884627-C-T. GRCh37 (hg19) VCF-style: chr1-100350183-C-T.
Other names: c.2605C>T, p.Gln869Ter (NM_000028.3, NM_000643.3, NM_000644.3 and 2 more transcripts); c.2557C>T, p.Gln853Ter (NM_000646.3); c.2404C>T, p.Gln802Ter (NM_001425327.1); c.2401C>T, p.Gln801Ter (NM_001425328.1); c.2227C>T, p.Gln743Ter (NM_001425332.1); short protein forms Q869*, Q853*, Q743*, Q801*, Q802*.
Identifiers: ClinVar variation 370127 (VCV000370127.9), dbSNP rs1057516254, ClinGen allele CA16040838.
Genomic context (GRCh38, chr1:99,884,627, plus strand): 5'-AGAGTTAGTCTTGATCCACATGCACAAGTCGCTGTTGGAATTCTTCGAAATCATCTGACA[C>T]AATTCAGTCCTCACTTTAAATCTGGCAGCCTAGCTGTTGACAATGCAGATCCTATATTAA-3'

ClinVar aggregate classification (germline): Pathogenic/Likely pathogenic. Review status: criteria provided, multiple submitters, no conflicts (2 of 4 stars). 4 submissions from 4 submitters: Pathogenic (2); Likely pathogenic (1). 1 of the submissions does not count toward it. Last evaluated 2025-09-24.

Conditions:
Glycogen storage disease type III (GSD3). Also called: Cori disease; FORBES DISEASE. Identifiers: Orphanet 366, MedGen C0017922, MONDO:0009291, OMIM 232400.

Allele frequency attached by ClinVar (database versions not stated): gnomAD exomes below 0.00001.
gnomAD v4.1: 1 of 1,613,798 alleles (0.000062%); highest among the groups gnomAD compares: Non-Finnish European, 0.000085%; no homozygotes.

Submissions (4):

Genesolutions, Medical Genetics Institutes, Ho Chi Minh City, Vietnam
Classification: Pathogenic for Glycogen storage disease type III. Last evaluated: 2025-09-24. Review status: criteria provided, single submitter. Criteria: ACMG Guidelines, 2015. Collection method: clinical testing. Allele origin: germline. Affected: yes.

Labcorp Genetics (formerly Invitae), Labcorp
Classification: Pathogenic for Glycogen storage disease type III. Last evaluated: 2023-12-17. Review status: criteria provided, single submitter. Criteria: Invitae Variant Classification Sherloc (09022015). Collection method: clinical testing. Allele origin: germline.
Comment: This sequence change creates a premature translational stop signal (p.Gln869*) in the AGL gene. It is expected to result in an absent or disrupted protein product. Loss-of-function variants in AGL are known to be pathogenic (PMID: 19299494). This variant is not present in population databases (gnomAD no frequency). This variant has not been reported in the literature in individuals affected with AGL-related conditions. ClinVar contains an entry for this variant (Variation ID: 370127). For these reasons, this variant has been classified as Pathogenic.

Genome-Nilou Lab
Classification: Likely pathogenic for Glycogen storage disease type III. Last evaluated: 2023-04-11. Review status: criteria provided, single submitter. Criteria: ACMG Guidelines, 2015. Collection method: clinical testing. Allele origin: germline. Affected: no.

Counsyl
Classification: Likely pathogenic for Glycogen storage disease type III. Last evaluated: 2015-11-24. Review status: no assertion criteria provided. Collection method: clinical testing. Allele origin: unknown. Not counted in ClinVar's aggregate classification.

Literature cited by the submitters: PubMed 19299494 (cited by Labcorp Genetics (formerly Invitae), Labcorp).